The following is an entry in ClinVar:

ClinVar aggregate classification (germline): Benign. Review status: criteria provided, single submitter (1 of 4 stars). 2 submissions from 2 submitters: Benign (1). 1 of the submissions does not count toward it. Last evaluated 2026-09-01.

Conditions:
KCNT2-related disorder. Also called: KCNT2-related condition. Identifiers: MedGen CN236796.

Allele frequency attached by ClinVar (database versions not stated): 1000 Genomes Project 30x 0.00172; 1000 Genomes Project 0.00180; ExAC 0.00405; gnomAD exomes 0.00412 and 0.00713; TOPMed 0.00439; gnomAD 0.00463 and 0.00480; ESP Exome Variant Server 0.00623.
gnomAD v4.1: 10,946 of 1,611,566 alleles (0.68%); highest among the groups gnomAD compares: Non-Finnish European, 0.85%; 60 homozygotes.

Submissions (2):

CeGaT Center for Human Genetics Tuebingen
Classification: Benign. Last evaluated: 2026-09-01. Review status: criteria provided, single submitter. Criteria: CeGaT Center For Human Genetics Tuebingen Variant Classification Criteria Version 2. Collection method: clinical testing. Allele origin: germline. Affected: yes. Observed: 33 variant alleles.
Comment: KCNT2: BP4, BP7, BS1, BS2

PreventionGenetics, part of Exact Sciences
Classification: Benign for KCNT2-related condition. Last evaluated: 2024-08-29. Review status: no assertion criteria provided. Collection method: clinical testing. Allele origin: germline. Not counted in ClinVar's aggregate classification.
Comment: This variant is classified as benign based on ACMG/AMP sequence variant interpretation guidelines (Richards et al. 2015 PMID: 25741868, with internal and published modifications).

NM_198503.5(KCNT2):c.1509T>C (p.Tyr503=)

Gene: KCNT2 (potassium sodium-activated channel subfamily T member 2; minus strand). Cytogenetic location: 1q31.3.
Variant type: single nucleotide variant.
Coding change: c.1509T>C on transcript NM_198503.5 (MANE Select); coding-DNA position 1509, T replaced by C.
Protein change: p.Tyr503=; no amino-acid change (tyrosine 503 retained).
Molecular consequence: synonymous variant. On other transcripts: non-coding transcript variant (2), intron variant (1).
Genome position (GRCh38, 1-based): chr1:196,342,123, A>G on the plus strand (T>C on the coding strand, the complement: KCNT2 is on the minus strand). VCF-style: chr1-196342123-A-G. GRCh37 (hg19) VCF-style: chr1-196311253-A-G.
Other names: c.1509T>C, p.Tyr503= (NM_001287819.3); c.1404-1553T>C (NM_001287820.3); c.1509T>C (NM_198503.3).
Identifiers: ClinVar variation 1694539 (VCV001694539.31), dbSNP rs145756671, ClinGen allele CA1304436.